The following is an entry in ClinVar:

ClinVar aggregate classification (germline): Uncertain significance (1 of 4 stars; one submission).

Conditions:
Congenital contractural arachnodactyly (CCA). Also called: BEALS SYNDROME; Arthrogryposis, distal, type 9; Beals-Hecht syndrome. Identifiers: Orphanet 115, MedGen C0220668, MONDO:0007363, OMIM 121050.

Submission:

Labcorp Genetics (formerly Invitae), Labcorp
Classification: Uncertain significance for Congenital contractural arachnodactyly. Last evaluated: 2023-05-09. Review status: criteria provided, single submitter. Criteria: Invitae Variant Classification Sherloc (09022015). Collection method: clinical testing. Allele origin: germline.
Comment: This sequence change replaces proline, which is neutral and non-polar, with leucine, which is neutral and non-polar, at codon 2681 of the FBN2 protein (p.Pro2681Leu). This variant is not present in population databases (gnomAD no frequency). This variant has not been reported in the literature in individuals affected with FBN2-related conditions. Advanced modeling of protein sequence and biophysical properties (such as structural, functional, and spatial information, amino acid conservation, physicochemical variation, residue mobility, and thermodynamic stability) performed at Invitae indicates that this missense variant is expected to disrupt FBN2 protein function. In summary, the available evidence is currently insufficient to determine the role of this variant in disease. Therefore, it has been classified as a Variant of Uncertain Significance.

NM_001999.4(FBN2):c.8042C>T (p.Pro2681Leu)

Gene: FBN2 (fibrillin 2; minus strand). Cytogenetic location: 5q23.3.
Variant type: single nucleotide variant.
Coding change: c.8042C>T on transcript NM_001999.4 (MANE Select); coding-DNA position 8042, C replaced by T.
Protein change: p.Pro2681Leu; replaces proline 2681 with leucine.
Molecular consequence: missense variant.
Genome position (GRCh38, 1-based): chr5:128,263,575, G>A on the plus strand (C>T on the coding strand, the complement: FBN2 is on the minus strand). VCF-style: chr5-128263575-G-A. GRCh37 (hg19) VCF-style: chr5-127599267-G-A.
Other names: short protein forms P2681L.
Identifiers: ClinVar variation 2861714 (VCV002861714.3), dbSNP rs2479612114, ClinGen allele CA360748687.